The following is an entry in ClinVar:

NM_001876.4(CPT1A):c.1234G>A (p.Glu412Lys)

Genes: CPT1A (carnitine palmitoyltransferase 1A; minus strand), LOC126861244 (BRD4-independent group 4 enhancer GRCh37_chr11:68549035-68550234; plus strand). Cytogenetic location: 11q13.3.
Variant type: single nucleotide variant.
Coding change: c.1234G>A on transcript NM_001876.4 (MANE Select); coding-DNA position 1234, G replaced by A.
Protein change: p.Glu412Lys; replaces glutamic acid 412 with lysine.
Molecular consequence: missense variant.
Genome position (GRCh38, 1-based): chr11:68,781,889, C>T on the plus strand (G>A on the coding strand, the complement: CPT1A is on the minus strand). VCF-style: chr11-68781889-C-T. GRCh37 (hg19) VCF-style: chr11-68549357-C-T.
Other names: c.1234G>A, p.Glu412Lys (NM_001031847.3); short protein forms E412K.
Identifiers: ClinVar variation 1675195 (VCV001675195.2), dbSNP rs1855322463, ClinGen allele CA381631690.

ClinVar aggregate classification (germline): Likely pathogenic (1 of 4 stars; one submission).

Conditions:
Carnitine palmitoyl transferase 1A deficiency. Also called: Carnitine palmitoyltransferase type I deficiency; CPT deficiency, hepatic, type IA; CPT I DEFICIENCY; CPT DEFICIENCY, HEPATIC, TYPE I; Carnitine palmitoyltransferase 1A deficiency. Identifiers: Orphanet 156, MedGen C1829703, MONDO:0009705, OMIM 255120.

Submission:

Centre of Medical Genetics, University Hospital Muenster
Classification: Likely pathogenic for Carnitine palmitoyl transferase 1A deficiency. Last evaluated: 2020-05-14. Review status: criteria provided, single submitter. Criteria: ACMG Guidelines, 2015. Collection method: clinical testing. Allele origin: germline. Affected: yes. Observed: 1 variant allele, 1 heterozygote.
Comment: ACMG categories: PS5,PM1,PM2,PP3